The following is an entry in ClinVar:

NM_000535.7(PMS2):c.1311A>G (p.Pro437=)

Gene: PMS2 (PMS1 homolog 2, mismatch repair system component; minus strand). Cytogenetic location: 7p22.1.
Variant type: single nucleotide variant.
Coding change: c.1311A>G on transcript NM_000535.7 (MANE Select); coding-DNA position 1311, A replaced by G.
Protein change: p.Pro437=; no amino-acid change (proline 437 retained).
Molecular consequence: synonymous variant. On other transcripts: non-coding transcript variant (1).
Genome position (GRCh38, 1-based): chr7:5,987,454, T>C on the plus strand (A>G on the coding strand, the complement: PMS2 is on the minus strand). VCF-style: chr7-5987454-T-C. GRCh37 (hg19) VCF-style: chr7-6027085-T-C.
Other names: c.906A>G, p.Pro302= (NM_001322003.2, NM_001322004.2, NM_001322005.2 and 1 more transcripts); c.1155A>G, p.Pro385= (NM_001322006.2); c.993A>G, p.Pro331= (NM_001322007.2, NM_001322008.2); c.750A>G, p.Pro250= (NM_001322010.2); c.378A>G, p.Pro126= (NM_001322011.2, NM_001322012.2); c.738A>G, p.Pro246= (NM_001322013.2); c.1311A>G, p.Pro437= (NM_001322014.2); c.1002A>G, p.Pro334= (NM_001322015.2).
Identifiers: ClinVar variation 484251 (VCV000484251.14), dbSNP rs1554297898, ClinGen allele CA453747740.

ClinVar aggregate classification (germline): Benign/Likely benign. Review status: criteria provided, multiple submitters, no conflicts (2 of 4 stars). 3 submissions from 3 submitters: Benign (1); Likely benign (2). Last evaluated 2025-01-30.

Conditions:
Hereditary nonpolyposis colorectal neoplasms. Identifiers: MedGen C0009405, MeSH D003123.
Hereditary cancer-predisposing syndrome. Also called: Neoplastic Syndromes, Hereditary; Tumor predisposition; Hereditary Cancer Syndrome; Hereditary neoplastic syndrome. Identifiers: Orphanet 140162, MedGen C0027672, MeSH D009386, MONDO:0015356.
Lynch syndrome 4 (LYNCH4). Also called: Colorectal cancer, hereditary nonpolyposis, type 4; Hereditary non-polyposis colorectal cancer, type 4. Identifiers: Orphanet 144, MedGen C1838333, MONDO:0013699, OMIM 614337. Disease mechanism: loss of function.

Allele frequency attached by ClinVar (database versions not stated): gnomAD exomes below 0.00001.
gnomAD v4.1: 1 of 1,614,136 alleles (0.000062%); highest among the groups gnomAD compares: Non-Finnish European, 0.000085%; no homozygotes.

Submissions (3):

Myriad Genetics, Inc.
Classification: Benign for Lynch syndrome 4. Last evaluated: 2025-01-30. Review status: criteria provided, single submitter. Criteria: Myriad Autosomal Dominant, Autosomal Recessive and X-Linked Classification Criteria (2023). Collection method: clinical testing. Allele origin: unknown.
Comment: This variant is considered benign. This variant is a silent/synonymous amino acid change and it is not expected to impact splicing.

Labcorp Genetics (formerly Invitae), Labcorp
Classification: Likely benign for Hereditary nonpolyposis colorectal neoplasms. Last evaluated: 2021-11-16. Review status: criteria provided, single submitter. Criteria: Invitae Variant Classification Sherloc (09022015). Collection method: clinical testing. Allele origin: germline.

Ambry Genetics
Classification: Likely benign for Hereditary cancer-predisposing syndrome. Last evaluated: 2017-07-10. Review status: criteria provided, single submitter. Criteria: Ambry Variant Classification Scheme 2023. Collection method: clinical testing. Allele origin: germline.